The following is an entry in ClinVar:

ClinVar aggregate classification (germline): Pathogenic (1 of 4 stars; one submission).

Conditions:
Cardiac malformation, cleft lip/palate, microcephaly, and digital anomalies. Also called: CLEFT PALATE, CARDIAC DEFECTS, AND IMPAIRED INTELLECTUAL DEVELOPMENT. Identifiers: MedGen C1832950, MONDO:0010970, OMIM 600987.

Submission:

Pediatrics, Sichuan Provincial Hospital For Women And Children
Classification: Pathogenic for Cardiac malformation, cleft lip/palate, microcephaly, and digital anomalies. Last evaluated: 2023-05-23. Review status: criteria provided, single submitter. Criteria: ACMG Guidelines, 2015. Collection method: provider interpretation. Allele origin: de novo. Inheritance: Autosomal dominant inheritance. Affected: yes. Observed: 1 hemizygote.

NM_170675.5(MEIS2):c.122_126delinsTGA (p.His41fs)

Gene: MEIS2 (Meis homeobox 2; minus strand). Cytogenetic location: 15q14.
Variant type: Indel.
Coding change: c.122_126delinsTGA on transcript NM_170675.5 (MANE Select); coding-DNA positions 122 to 126, ACGGG replaced by TGA.
Protein change: p.His41fs; shifts the reading frame from histidine 41.
Molecular consequence: frameshift variant. On other transcripts: 5 prime UTR variant (1), non-coding transcript variant (1).
Genome position (GRCh38, 1-based): chr15:37,098,086-37,098,090, CCCGT replaced by TCA on the plus strand (ACGGG replaced by TGA on the coding strand, the reverse complement: MEIS2 is on the minus strand). VCF-style: chr15-37098086-CCCGT-TCA. GRCh37 (hg19) VCF-style: chr15-37390287-CCCGT-TCA.
Other names: c.122_126delinsTGA, p.His41fs (NM_001220482.2, NM_170674.5, NM_170676.5 and 1 more transcripts); c.83_87delinsTGA, p.His28fs (NM_002399.4, NM_172315.3); c.-120_-116delinsTGA (NM_172316.3); short protein forms H28fs, H41fs.
Identifiers: ClinVar variation 2502862 (VCV002502862.1), dbSNP rs2505270713, ClinGen allele CA2580613789.